The following is an entry in ClinVar:

ClinVar aggregate classification (germline): Uncertain significance (1 of 4 stars; one submission).

Submission:

Dasa
Classification: Uncertain significance. Last evaluated: 2024-08-28. Review status: criteria provided, single submitter. Criteria: DASA Assertion Criteria. Collection method: clinical testing. Allele origin: germline.
Comment: NM_000937.5(POLR2A):c.1171G>A (p.Ala391Thr) is a missense variant that results in the substitution of alanine with threonine. This variant is absent from population databases. Computational prediction algorithms are consistent with a benign effect. The currently available literature and clinical evidence are not sufficient to establish a definitive association between this variant and the reported condition. Therefore, this variant is classified as a variant of uncertain significance.

NM_000937.5(POLR2A):c.1171G>A (p.Ala391Thr)

Gene: POLR2A (RNA polymerase II subunit A; plus strand). Cytogenetic location: 17p13.1.
Variant type: single nucleotide variant.
Coding change: c.1171G>A on transcript NM_000937.5 (MANE Select); coding-DNA position 1171, G replaced by A.
Protein change: p.Ala391Thr; replaces alanine 391 with threonine.
Molecular consequence: missense variant.
Genome position (GRCh38, 1-based): chr17:7,497,839, G>A. VCF-style: chr17-7497839-G-A. GRCh37 (hg19) VCF-style: chr17-7401158-G-A.
Other names: short protein forms A391T.
Identifiers: ClinVar variation 4883482 (VCV004883482.2).